The following is an entry in ClinVar:

ClinVar aggregate classification (germline): Conflicting classifications of pathogenicity. Review status: criteria provided, conflicting classifications (1 of 4 stars). 18 submissions from 17 submitters: Uncertain significance (2); Benign (12); Likely benign (1). 3 of the submissions do not count toward it. Last evaluated 2026-09-01.

Conditions:
Cardiovascular phenotype. Identifiers: MedGen CN230736.
Familial hypobetalipoproteinemia 1. Also called: Hypobetalipoproteinemia, normotriglyceridemic; Acanthocytosis with hypobetalipoproteinemia; APOB-Related Familial Hypobetalipoproteinemia. Identifiers: MedGen C4551990, MONDO:0014252, OMIM 615558.
Hypercholesterolemia, autosomal dominant, type B (FHCL2). Also called: APOB-Related Familial Hypercholesterolemia, Autosomal Dominant; Familial hypercholesterolemia 2; APOLIPOPROTEIN B-100, FAMILIAL DEFECTIVE; APOLIPOPROTEIN B-100, FAMILIAL LIGAND-DEFECTIVE; Familial Hypercholesterolemia Type B; Hyperlipoproteinemia Type IIb. Identifiers: MedGen C1704417, MONDO:0007751, OMIM 144010.
Familial hypercholesterolemia. Also called: Familial hypercholesterolaemia; Familial hypercholesterolemias. Identifiers: MedGen C0020445, MONDO:0005439.
Hypercholesterolemia, familial, 1. Also called: LDL RECEPTOR DISORDER; Hyperlipoproteinemia Type IIa; HYPER-LOW-DENSITY-LIPOPROTEINEMIA; HYPERCHOLESTEROLEMIC XANTHOMATOSIS, FAMILIAL; Fredrickson type IIa hyperlipoproteinemia; Hyperlipoproteinemia type 2. Identifiers: Orphanet 391665, MedGen C0745103, MONDO:0007750, OMIM 143890.

Allele frequency attached by ClinVar (database versions not stated): 1000 Genomes Project 0.01438; ExAC 0.01952; TOPMed 0.02184; gnomAD 0.02201 and 0.02288; ESP Exome Variant Server 0.02360; 1000 Genomes Project 30x 0.01452; gnomAD exomes 0.01854 and 0.01874.
gnomAD v4.1: 30,896 of 1,614,008 alleles (1.9%); highest among the groups gnomAD compares: African/African-American, 3.2%; 404 homozygotes.

Submissions (18):

CeGaT Center for Human Genetics Tuebingen
Classification: Benign. Last evaluated: 2026-09-01. Review status: criteria provided, single submitter. Criteria: CeGaT Center For Human Genetics Tuebingen Variant Classification Criteria Version 2. Collection method: clinical testing. Allele origin: germline. Affected: yes. Observed: 203 variant alleles.
Comment: APOB: BP4, BP7, BS1, BS2

Labcorp Genetics (formerly Invitae), Labcorp
Classification: Benign for Familial hypobetalipoproteinemia 1; Hypercholesterolemia, autosomal dominant, type B. Last evaluated: 2026-02-03. Review status: criteria provided, single submitter. Criteria: Invitae Variant Classification Sherloc (09022015). Collection method: clinical testing. Allele origin: germline.

ARUP Laboratories, Molecular Genetics and Genomics, ARUP Laboratories
Classification: Benign. Last evaluated: 2025-07-09. Review status: criteria provided, single submitter. Criteria: ARUP Molecular Germline Variant Investigation Process 2024. Collection method: clinical testing. Allele origin: germline.

Molecular Diagnostic Laboratory for Inherited Cardiovascular Disease, Montreal Heart Institute
Classification: Benign. Last evaluated: 2025-04-09. Review status: criteria provided, single submitter. Criteria: ACMG Guidelines, 2015. Collection method: clinical testing. Allele origin: germline. Affected: no.

Blueprint Genetics
Classification: Benign. Last evaluated: 2024-11-26. Review status: criteria provided, single submitter. Criteria: ACMG Guidelines, 2015. Collection method: clinical testing. Allele origin: germline.

GENinCode PLC
Classification: Benign for Familial hypercholesterolemia. Last evaluated: 2022-12-23. Review status: criteria provided, single submitter. Criteria: ACMG Guidelines, 2015. Collection method: clinical testing. Allele origin: germline.

Quest Diagnostics Nichols Institute San Juan Capistrano
Classification: Benign. Last evaluated: 2022-05-12. Review status: criteria provided, single submitter. Criteria: Quest Diagnostics criteria. Collection method: clinical testing. Allele origin: unknown.

Mayo Clinic Laboratories, Mayo Clinic
Classification: Benign. Last evaluated: 2018-09-07. Review status: criteria provided, single submitter. Criteria: ACMG Guidelines, 2015. Collection method: clinical testing. Allele origin: germline. Observed: 34 variant alleles.

Illumina Laboratory Services, Illumina
Classification: Likely benign for Hypercholesterolemia, autosomal dominant, type B. Last evaluated: 2018-01-13. Review status: criteria provided, single submitter. Criteria: ICSL Variant Classification Criteria 13 December 2019. Collection method: clinical testing. Allele origin: germline.
Comment: This variant was observed in the ICSL laboratory as part of a predisposition screen in an ostensibly healthy population. It had not been previously curated by ICSL or reported in the Human Gene Mutation Database (HGMD: prior to June 1st, 2018), and was therefore a candidate for classification through an automated scoring system. Utilizing variant allele frequency, disease prevalence and penetrance estimates, and inheritance mode, an automated score was calculated to assess if this variant is too frequent to cause the disease. Based on the score and internal cut-off values, a variant classified as likely benign is not then subjected to further curation. The score for this variant resulted in a classification of likely benign for this disease.

Illumina Laboratory Services, Illumina
Classification: Uncertain significance for Familial hypobetalipoproteinemia 1. Last evaluated: 2018-01-13. Review status: criteria provided, single submitter. Criteria: ICSL Variant Classification Criteria 13 December 2019. Collection method: clinical testing. Allele origin: germline.

Robarts Research Institute, Western University
Classification: Benign for Hypercholesterolemia, familial, 1. Last evaluated: 2018-01-02. Review status: criteria provided, single submitter. Criteria: ACMG Guidelines, 2015. Collection method: clinical testing. Allele origin: germline. Inheritance: Autosomal dominant inheritance. Affected: yes.

Color Diagnostics, LLC DBA Color Health
Classification: Benign for Familial hypercholesterolemia. Last evaluated: 2017-06-27. Review status: criteria provided, single submitter. Criteria: ACMG Guidelines, 2015. Collection method: clinical testing. Allele origin: germline.

GeneDx
Classification: Benign. Last evaluated: 2016-12-01. Review status: criteria provided, single submitter. Criteria: GeneDx Variant Classification (06012015). Collection method: clinical testing. Allele origin: germline. Affected: yes.
Comment: This variant is considered likely benign or benign based on one or more of the following criteria: it is a conservative change, it occurs at a poorly conserved position in the protein, it is predicted to be benign by multiple in silico algorithms, and/or has population frequency not consistent with disease.

Fundacion Hipercolesterolemia Familiar
Classification: Uncertain significance for Familial hypercholesterolemia. Last evaluated: 2016-03-01. Review status: criteria provided, single submitter. Criteria: ACMG Guidelines, 2015. Collection method: research. Allele origin: germline. Study: SAFEHEART.

Ambry Genetics
Classification: Benign for Cardiovascular phenotype. Last evaluated: 2015-12-16. Review status: criteria provided, single submitter. Criteria: Ambry Variant Classification Scheme 2023. Collection method: clinical testing. Allele origin: germline.

Cohesion Phenomics
Classification: Likely benign for Familial hypercholesterolemia. Last evaluated: 2023-02-09. Review status: no assertion criteria provided. Criteria: ACMG Guidelines, 2015. Collection method: clinical testing. Allele origin: germline. Affected: yes. Not counted in ClinVar's aggregate classification.

Clinical Genetics, Academic Medical Center
Classification: Benign. Review status: no assertion criteria provided. Collection method: clinical testing. Allele origin: germline. Affected: yes. Study: VKGL Data-share Consensus. Not counted in ClinVar's aggregate classification.

Diagnostic Laboratory, Department of Genetics, University Medical Center Groningen
Classification: Benign. Review status: no assertion criteria provided. Collection method: clinical testing. Allele origin: germline. Affected: yes. Study: VKGL Data-share Consensus. Not counted in ClinVar's aggregate classification.

Literature cited by the submitters: PubMed 33111339 (cited by Quest Diagnostics Nichols Institute San Juan Capistrano); PubMed 28475941 (cited by Quest Diagnostics Nichols Institute San Juan Capistrano); PubMed 22095935 (cited by Quest Diagnostics Nichols Institute San Juan Capistrano).

NM_000384.3(APOB):c.8148C>T (p.Ile2716=)

Gene: APOB (apolipoprotein B; minus strand). Cytogenetic location: 2p24.1.
Variant type: single nucleotide variant.
Coding change: c.8148C>T on transcript NM_000384.3 (MANE Select); coding-DNA position 8148, C replaced by T.
Protein change: p.Ile2716=; no amino-acid change (isoleucine 2716 retained).
Molecular consequence: synonymous variant.
Genome position (GRCh38, 1-based): chr2:21,008,720, G>A on the plus strand (C>T on the coding strand, the complement: APOB is on the minus strand). VCF-style: chr2-21008720-G-A. GRCh37 (hg19) VCF-style: chr2-21231592-G-A.
Other names: p.Ile2716=.
Identifiers: ClinVar variation 237751 (VCV000237751.79), dbSNP rs6413458, ClinGen allele CA065210.